The following is an entry in ClinVar:

ClinVar aggregate classification (germline): Uncertain significance. Review status: criteria provided, multiple submitters, no conflicts (2 of 4 stars). 3 submissions from 3 submitters: Uncertain significance (3). Last evaluated 2023-05-26.

Conditions:
RASopathy. Also called: rasopathies; Noonan spectrum disorder. Identifiers: Orphanet 536391, MedGen C5555857, MONDO:0021060.
Cardiovascular phenotype. Identifiers: MedGen CN230736.

Allele frequency attached by ClinVar (database versions not stated): ExAC 0.00001; gnomAD 0.00001; gnomAD exomes 0.00001; 1000 Genomes Project 30x 0.00016; 1000 Genomes Project 0.00020.
gnomAD v4.1: 8 of 1,613,826 alleles (0.0005%); highest among the groups gnomAD compares: African/African-American, 0.0013%; no homozygotes.

Submissions (3):

Labcorp Genetics (formerly Invitae), Labcorp
Classification: Uncertain significance for RASopathy. Last evaluated: 2023-05-26. Review status: criteria provided, single submitter. Criteria: Invitae Variant Classification Sherloc (09022015). Collection method: clinical testing. Allele origin: germline.
Comment: This variant is present in population databases (rs571743548, gnomAD 0.007%). This sequence change replaces glutamic acid, which is acidic and polar, with glycine, which is neutral and non-polar, at codon 564 of the SOS1 protein (p.Glu564Gly). This variant has not been reported in the literature in individuals affected with SOS1-related conditions. In summary, the available evidence is currently insufficient to determine the role of this variant in disease. Therefore, it has been classified as a Variant of Uncertain Significance. Advanced modeling of protein sequence and biophysical properties (such as structural, functional, and spatial information, amino acid conservation, physicochemical variation, residue mobility, and thermodynamic stability) has been performed at Invitae for this missense variant, however the output from this modeling did not meet the statistical confidence thresholds required to predict the impact of this variant on SOS1 protein function. ClinVar contains an entry for this variant (Variation ID: 1778138).

GeneDx
Classification: Uncertain significance. Last evaluated: 2023-02-16. Review status: criteria provided, single submitter. Criteria: GeneDx Variant Classification Process June 2021. Collection method: clinical testing. Allele origin: germline. Affected: yes.
Comment: In silico analysis supports that this missense variant has a deleterious effect on protein structure/function; Missense variants in this gene are often considered pathogenic (HGMD); Has not been previously published as pathogenic or benign to our knowledge; This variant is associated with the following publications: (PMID: 29493581)

Ambry Genetics
Classification: Uncertain significance for Cardiovascular phenotype. Last evaluated: 2021-10-06. Review status: criteria provided, single submitter. Criteria: Ambry Variant Classification Scheme 2023. Collection method: clinical testing. Allele origin: germline.
Comment: The p.E564G variant (also known as c.1691A>G), located in coding exon 10 of the SOS1 gene, results from an A to G substitution at nucleotide position 1691. The glutamic acid at codon 564 is replaced by glycine, an amino acid with similar properties. This amino acid position is conserved. In addition, the in silico prediction for this alteration is inconclusive. Since supporting evidence is limited at this time, the clinical significance of this alteration remains unclear.

NM_005633.4(SOS1):c.1691A>G (p.Glu564Gly)

Gene: SOS1 (SOS Ras/Rac guanine nucleotide exchange factor 1; minus strand). Cytogenetic location: 2p22.1.
Variant type: single nucleotide variant.
Coding change: c.1691A>G on transcript NM_005633.4 (MANE Select); coding-DNA position 1691, A replaced by G.
Protein change: p.Glu564Gly; replaces glutamic acid 564 with glycine.
Molecular consequence: missense variant.
Genome position (GRCh38, 1-based): chr2:39,022,737, T>C on the plus strand (A>G on the coding strand, the complement: SOS1 is on the minus strand). VCF-style: chr2-39022737-T-C. GRCh37 (hg19) VCF-style: chr2-39249878-T-C.
Other names: c.1670A>G, p.Glu557Gly (NM_001382394.1); c.1691A>G, p.Glu564Gly (NM_001382395.1); short protein forms E557G, E564G.
Identifiers: ClinVar variation 1778138 (VCV001778138.6), dbSNP rs571743548, ClinGen allele CA1624561.